The following is an entry in ClinVar:

ClinVar aggregate classification (germline): Likely pathogenic (1 of 4 stars; one submission).

Conditions:
Autosomal dominant COL4A1-related disorders.

Submission:

Variantyx, Inc.
Classification: Likely pathogenic for Autosomal dominant COL4A1-related disorders. Last evaluated: 2025-04-29. Review status: criteria provided, single submitter. Criteria: Variantyx Assertion Criteria 2022. Collection method: clinical testing. Allele origin: germline. Inheritance: Autosomal dominant inheritance. Affected: yes.
Comment: This is a nonsynonymous variant in the COL4A1 gene (OMIM: 120130). Pathogenic variants in this gene have been associated with autosomal dominant COL4A1-related disorders. This variant replaces a glycine residue in the repetitive Gly-X-Y sequence of the triple helical domain, which is a common disease mechanism in collagenopathies (PMID: 28098982, 15365990) (PM1_Strong). Multiple computational algorithms predict a deleterious effect for this variant (REVEL score: 0.972) (PP3). This variant is absent from control populations (PM2) and it has not been reported in individuals with COL4A1-related disorders in the databases available for review. Based on the current evidence, this variant is classified as likely pathogenic for autosomal dominant COL4A1-related disorders.

Literature cited by the submitters: PubMed 28098982; PubMed 15365990.

NM_001845.6(COL4A1):c.2044G>T (p.Gly682Cys)

Gene: COL4A1 (collagen type IV alpha 1 chain; minus strand). Cytogenetic location: 13q34.
Variant type: single nucleotide variant.
Coding change: c.2044G>T on transcript NM_001845.6 (MANE Select); coding-DNA position 2044, G replaced by T.
Protein change: p.Gly682Cys; replaces glycine 682 with cysteine.
Molecular consequence: missense variant.
Genome position (GRCh38, 1-based): chr13:110,183,044, C>A on the plus strand (G>T on the coding strand, the complement: COL4A1 is on the minus strand). VCF-style: chr13-110183044-C-A. GRCh37 (hg19) VCF-style: chr13-110835391-C-A.
Other names: short protein forms G682C.
Identifiers: ClinVar variation 4849964 (VCV004849964.1).